The following is an entry in ClinVar:

ClinVar aggregate classification (germline): Benign/Likely benign. Review status: criteria provided, multiple submitters, no conflicts (2 of 4 stars). 4 submissions from 4 submitters: Benign (1); Likely benign (3). Last evaluated 2024-11-19.

Conditions:
Hereditary cancer-predisposing syndrome. Also called: Neoplastic Syndromes, Hereditary; Tumor predisposition; Hereditary neoplastic syndrome; Hereditary Cancer Syndrome. Identifiers: Orphanet 140162, MedGen C0027672, MeSH D009386, MONDO:0015356.
Familial cancer of breast. Also called: BREAST CANCER, FAMILIAL; Hereditary breast cancer; hereditary breast carcinoma. Identifiers: Orphanet 227535, MedGen C0346153, MONDO:0016419, OMIM 114480. Disease mechanism: loss of function.

Allele frequency attached by ClinVar (database versions not stated): gnomAD exomes below 0.00001.
gnomAD v4.1: 1 of 1,584,406 alleles (0.000063%); highest among the groups gnomAD compares: South Asian, 0.0012%; no homozygotes.

Submissions (4):

Labcorp Genetics (formerly Invitae), Labcorp
Classification: Likely benign for Familial cancer of breast. Last evaluated: 2024-11-19. Review status: criteria provided, single submitter. Criteria: Invitae Variant Classification Sherloc (09022015). Collection method: clinical testing. Allele origin: germline.

Myriad Genetics, Inc.
Classification: Benign for Familial cancer of breast. Last evaluated: 2024-07-22. Review status: criteria provided, single submitter. Criteria: Myriad Autosomal Dominant, Autosomal Recessive and X-Linked Classification Criteria (2023). Collection method: clinical testing. Allele origin: unknown.
Comment: This variant is considered benign. This variant is a silent/synonymous amino acid change and it is not expected to impact splicing.

Ambry Genetics
Classification: Likely benign for Hereditary cancer-predisposing syndrome. Last evaluated: 2024-06-14. Review status: criteria provided, single submitter. Criteria: Ambry Variant Classification Scheme 2023. Collection method: clinical testing. Allele origin: germline.

GeneDx
Classification: Likely benign. Last evaluated: 2018-04-16. Review status: criteria provided, single submitter. Criteria: GeneDx Variant Classification (06012015). Collection method: clinical testing. Allele origin: germline. Affected: yes.
Comment: This variant is considered likely benign or benign based on one or more of the following criteria: it is a conservative change, it occurs at a poorly conserved position in the protein, it is predicted to be benign by multiple in silico algorithms, and/or has population frequency not consistent with disease.

NM_000465.4(BARD1):c.699G>A (p.Glu233=)

Gene: BARD1 (BRCA1 associated RING domain 1; minus strand). Cytogenetic location: 2q35.
Variant type: single nucleotide variant.
Coding change: c.699G>A on transcript NM_000465.4 (MANE Select); coding-DNA position 699, G replaced by A.
Protein change: p.Glu233=; no amino-acid change (glutamic acid 233 retained).
Molecular consequence: synonymous variant. On other transcripts: non-coding transcript variant (2), intron variant (3).
Genome position (GRCh38, 1-based): chr2:214,781,175, C>T on the plus strand (G>A on the coding strand, the complement: BARD1 is on the minus strand). VCF-style: chr2-214781175-C-T. GRCh37 (hg19) VCF-style: chr2-215645899-C-T.
Other names: c.642G>A, p.Glu214= (NM_001282543.2); c.158+28237G>A (NM_001282548.2); c.215+15886G>A (NM_001282545.2); c.364+11122G>A (NM_001282549.2).
Identifiers: ClinVar variation 682227 (VCV000682227.5), dbSNP rs1002531703, ClinGen allele CA64788757.